The following is an entry in ClinVar:

NM_024422.6(DSC2):c.2627A>G (p.Gln876Arg)

Gene: DSC2 (desmocollin 2; minus strand). Cytogenetic location: 18q12.1.
Variant type: single nucleotide variant.
Coding change: c.2627A>G on transcript NM_024422.6 (MANE Select); coding-DNA position 2627, A replaced by G.
Protein change: p.Gln876Arg; replaces glutamine 876 with arginine.
Molecular consequence: missense variant. On other transcripts: 3 prime UTR variant (2).
Genome position (GRCh38, 1-based): chr18:31,068,094, T>C on the plus strand (A>G on the coding strand, the complement: DSC2 is on the minus strand). VCF-style: chr18-31068094-T-C. GRCh37 (hg19) VCF-style: chr18-28648060-T-C.
Other names: c.2198A>G, p.Gln733Arg (NM_001406506.1); c.*129A>G (NM_001406507.1, NM_004949.5); short protein forms Q876R, Q733R.
Identifiers: ClinVar variation 2775168 (VCV002775168.2), dbSNP rs1004351611, ClinGen allele CA402110304.

ClinVar aggregate classification (germline): Uncertain significance (1 of 4 stars; one submission).

Conditions:
Cardiomyopathy (CMYO). Also called: Cardiomyopathies. Identifiers: Orphanet 167848, MedGen C0878544, MONDO:0004994, HP:0001638. Inheritance: Various modes of inheritance.

gnomAD v4.1: 1 of 1,614,066 alleles (0.000062%); highest among the groups gnomAD compares: Non-Finnish European, 0.000085%; no homozygotes.

Submission:

Color Diagnostics, LLC DBA Color Health
Classification: Uncertain significance for Cardiomyopathy. Last evaluated: 2024-03-06. Review status: criteria provided, single submitter. Criteria: ACMG Guidelines, 2015. Collection method: clinical testing. Allele origin: germline.
Comment: This missense variant replaces glutamine with arginine at codon 876 of the DSC2 protein. Computational prediction suggests that this variant may not impact protein structure and function (internally defined REVEL score threshold <= 0.5, PMID: 27666373). To our knowledge, functional studies have not been reported for this variant. This variant has not been reported in individuals affected with cardiovascular disorders in the literature. This variant has been identified in 1/251294 chromosomes in the general population by the Genome Aggregation Database (gnomAD). The available evidence is insufficient to determine the role of this variant in disease conclusively. Therefore, this variant is classified as a Variant of Uncertain Significance.